The following is an entry in ClinVar:

ClinVar aggregate classification (germline): Uncertain significance (1 of 4 stars; one submission).

Conditions:
Leber congenital amaurosis 8 (LCA8). Identifiers: Orphanet 65, MedGen C3151202, MONDO:0013453, OMIM 613835.
Retinitis pigmentosa 12 (RP12). Also called: RP WITH OR WITHOUT PPRPE; RP WITH OR WITHOUT PRESERVED PARAARTERIOLE RETINAL PIGMENT EPITHELIUM; RETINITIS PIGMENTOSA WITH OR WITHOUT PARAARTERIOLAR PRESERVATION OF RETINAL PIGMENT EPITHELIUM. Identifiers: Orphanet 791, MedGen C1838647, MONDO:0010818, OMIM 600105.

gnomAD v4.1: 3 of 1,614,202 alleles (0.00019%); no homozygotes.

Submission:

Labcorp Genetics (formerly Invitae), Labcorp
Classification: Uncertain significance for Leber congenital amaurosis 8; Retinitis pigmentosa 12. Last evaluated: 2022-06-27. Review status: criteria provided, single submitter. Criteria: Invitae Variant Classification Sherloc (09022015). Collection method: clinical testing. Allele origin: germline.
Comment: This sequence change replaces leucine, which is neutral and non-polar, with valine, which is neutral and non-polar, at codon 512 of the CRB1 protein (p.Leu512Val). This variant is not present in population databases (gnomAD no frequency). This variant has not been reported in the literature in individuals affected with CRB1-related conditions. Advanced modeling of protein sequence and biophysical properties (such as structural, functional, and spatial information, amino acid conservation, physicochemical variation, residue mobility, and thermodynamic stability) performed at Invitae indicates that this missense variant is not expected to disrupt CRB1 protein function. In summary, the available evidence is currently insufficient to determine the role of this variant in disease. Therefore, it has been classified as a Variant of Uncertain Significance.

NM_201253.3(CRB1):c.1534C>G (p.Leu512Val)

Gene: CRB1 (crumbs cell polarity complex component 1; plus strand). Cytogenetic location: 1q31.3.
Variant type: single nucleotide variant.
Coding change: c.1534C>G on transcript NM_201253.3 (MANE Select); coding-DNA position 1534, C replaced by G.
Protein change: p.Leu512Val; replaces leucine 512 with valine.
Molecular consequence: missense variant. On other transcripts: non-coding transcript variant (2).
Genome position (GRCh38, 1-based): chr1:197,421,362, C>G. VCF-style: chr1-197421362-C-G. GRCh37 (hg19) VCF-style: chr1-197390492-C-G.
Other names: c.1198C>G, p.Leu400Val (NM_001193640.2); c.1327C>G, p.Leu443Val (NM_001257965.2); c.1534C>G, p.Leu512Val (NM_001257966.2); short protein forms L443V, L400V, L512V.
Identifiers: ClinVar variation 1464069 (VCV001464069.5), dbSNP rs1664304309, ClinGen allele CA344031355.